The following is an entry in ClinVar:

NM_000152.5(GAA):c.1153C>T (p.Arg385Cys)

Gene: GAA (alpha glucosidase; plus strand). Cytogenetic location: 17q25.3.
Variant type: single nucleotide variant.
Coding change: c.1153C>T on transcript NM_000152.5 (MANE Select); coding-DNA position 1153, C replaced by T.
Protein change: p.Arg385Cys; replaces arginine 385 with cysteine.
Molecular consequence: missense variant.
Genome position (GRCh38, 1-based): chr17:80,108,566, C>T. VCF-style: chr17-80108566-C-T. GRCh37 (hg19) VCF-style: chr17-78082365-C-T.
Other names: c.1153C>T (LRG_673t1); c.1153C>T, p.Arg385Cys (NM_001079803.3, NM_001079804.3); short protein forms R385C.
Identifiers: ClinVar variation 575359 (VCV000575359.12), dbSNP rs767821988, ClinGen allele CA8815183.

ClinVar aggregate classification (germline): Uncertain significance. Review status: criteria provided, multiple submitters, no conflicts (2 of 4 stars). 4 submissions from 4 submitters: Uncertain significance (3). 1 of the submissions does not count toward it. Last evaluated 2025-04-14.

Conditions:
Glycogen storage disease, type II (IOPD). Also called: Glucosidase acid-1,4-alpha deficiency; Pompe Disease; GLYCOGENOSIS, GENERALIZED, CARDIAC FORM; GSD II; POMPE DISEASE, INFANTILE-ONSET; GLYCOGEN STORAGE DISEASE II, INFANTILE-ONSET. Identifiers: Orphanet 365, MedGen C0017921, MONDO:0009290, OMIM 232300.

Allele frequency attached by ClinVar (database versions not stated): ExAC 0.00001; TOPMed 0.00001; gnomAD exomes 0.00002; gnomAD 0.00003.
gnomAD v4.1: 31 of 1,612,810 alleles (0.0019%); highest among the groups gnomAD compares: East Asian, 0.018%; no homozygotes.

Submissions (4):

Revvity Omics, Revvity
Classification: Uncertain significance. Last evaluated: 2025-04-14. Review status: criteria provided, single submitter. Criteria: ACMG Guidelines, 2015. Collection method: clinical testing. Allele origin: germline.

Labcorp Genetics (formerly Invitae), Labcorp
Classification: Uncertain significance for Glycogen storage disease, type II. Last evaluated: 2022-07-19. Review status: criteria provided, single submitter. Criteria: Invitae Variant Classification Sherloc (09022015). Collection method: clinical testing. Allele origin: germline.
Comment: This sequence change replaces arginine, which is basic and polar, with cysteine, which is neutral and slightly polar, at codon 385 of the GAA protein (p.Arg385Cys). This variant is present in population databases (rs767821988, gnomAD 0.007%). This variant has not been reported in the literature in individuals affected with GAA-related conditions. ClinVar contains an entry for this variant (Variation ID: 575359). Advanced modeling of protein sequence and biophysical properties (such as structural, functional, and spatial information, amino acid conservation, physicochemical variation, residue mobility, and thermodynamic stability) performed at Invitae indicates that this missense variant is expected to disrupt GAA protein function. In summary, the available evidence is currently insufficient to determine the role of this variant in disease. Therefore, it has been classified as a Variant of Uncertain Significance.

Genome-Nilou Lab
Classification: Uncertain significance for Glycogen storage disease, type II. Last evaluated: 2021-05-18. Review status: criteria provided, single submitter. Criteria: ACMG Guidelines, 2015. Collection method: clinical testing. Allele origin: germline. Affected: no.

Natera, Inc.
Classification: Uncertain significance for Glycogen storage disease type II. Last evaluated: 2019-10-28. Review status: no assertion criteria provided. Collection method: clinical testing. Allele origin: germline. Not counted in ClinVar's aggregate classification.